The following is an entry in ClinVar:

NM_000138.5(FBN1):c.5488_5511del (p.Ser1830_Pro1837del)

Gene: FBN1 (fibrillin 1; minus strand). Cytogenetic location: 15q21.1.
Variant type: Deletion.
Coding change: c.5488_5511del on transcript NM_000138.5 (MANE Select); coding-DNA positions 5488 to 5511, 24 bases deleted (AGCTACCGCTGTGACTGTAAGCCC).
Protein change: p.Ser1830_Pro1837del.
Molecular consequence: inframe deletion.
Genome position (GRCh38, 1-based): chr15:48,452,596-48,452,619, GGGCTTACAGTCACAGCGGTAGCT deleted on the plus strand (AGCTACCGCTGTGACTGTAAGCCC on the coding strand, the reverse complement: FBN1 is on the minus strand); deleting any 24 consecutive bases within chr15:48,452,596-48,452,620 gives the same sequence; the c. name uses the placement nearest the transcript's 3' end. VCF-style (leftmost placement, unchanged base first): chr15-48452595-CGGGCTTACAGTCACAGCGGTAGCT-C. GRCh37 (hg19) VCF-style: chr15-48744792-CGGGCTTACAGTCACAGCGGTAGCT-C.
Other names: c.5488_5511del, p.Ser1830_Pro1837del (NM_001406716.1).
Identifiers: ClinVar variation 3756621 (VCV003756621.2).
Genomic context (GRCh38, chr15:48,452,595, plus strand): 5'-ATGTCCAGCCTGTGGGGCACTACATACCATTGCACTGTCCTGTGGAGGTGAAGCGGTAGC[CGGGCTTACAGTCACAGCGGTAGCT>C]GCCTGCAGTGTTGATGCATTCGGCGTTGCGCTGGCACACTGGGCCGTTCTGACACTCGTC-3'

ClinVar aggregate classification (germline): Likely pathogenic (1 of 4 stars; one submission).

Conditions:
Marfan syndrome (MFS). Also called: MARFAN SYNDROME, TYPE I; Marfan syndrome type 1; Marfan's syndrome; Marfan syndrome, classic; FBN1-Related Marfan Syndrome. Identifiers: Orphanet 284963, Orphanet 558, MedGen C0024796, MONDO:0007947, OMIM 154700.
Familial thoracic aortic aneurysm and aortic dissection (TAAD). Also called: Thoracic aortic aneurysms and dissections. Identifiers: Orphanet 91387, MedGen C4707243, MONDO:0019625.

Submission:

Labcorp Genetics (formerly Invitae), Labcorp
Classification: Likely pathogenic for Marfan syndrome; Familial thoracic aortic aneurysm and aortic dissection. Last evaluated: 2025-03-03. Review status: criteria provided, single submitter. Criteria: Invitae Variant Classification Sherloc (09022015). Collection method: clinical testing. Allele origin: germline.
Comment: This variant, c.5488_5511del, results in the deletion of 8 amino acid(s) of the FBN1 protein (p.Ser1830_Pro1837del), but otherwise preserves the integrity of the reading frame. This variant is not present in population databases (gnomAD no frequency). This variant has been observed in individual(s) with Marfan syndrome (internal data). This variant affects a cysteine residue in the EGF-like, TGFBP or hybrid motif domains of FBN1. Cysteine residues are believed to be involved in intramolecular disulfide bridges and have been shown to be important for FBN1 protein structure (PMID: 16905551, 19349279). In addition, missense substitutions affecting cysteine residues within these domains are significantly overrepresented among patients with Marfan syndrome (PMID: 16571647, 17701892). This variant disrupts a region of the FBN1 protein in which other variant(s) (p.Pro1837Ser) have been observed in individuals with FBN1-related conditions (PMID: 8941093). This suggests that this is a clinically significant region of the protein, and that variants that disrupt it are likely to be disease-causing. In summary, the currently available evidence indicates that the variant is pathogenic, but additional data are needed to prove that conclusively. Therefore, this variant has been classified as Likely Pathogenic.

Literature cited by the submitters: PubMed 16905551; PubMed 19349279; PubMed 16571647; PubMed 17701892; PubMed 8941093.